The following is an entry in ClinVar:

NM_000090.4(COL3A1):c.3290_3291del (p.Thr1097fs)

Gene: COL3A1 (collagen type III alpha 1 chain; plus strand). Cytogenetic location: 2q32.2.
Variant type: Deletion.
Coding change: c.3290_3291del on transcript NM_000090.4 (MANE Select); coding-DNA positions 3290 to 3291, 2 bases deleted (CA; older notation c.3290_3291delCA).
Protein change: p.Thr1097fs; shifts the reading frame from threonine 1097.
Molecular consequence: frameshift variant.
Genome position (GRCh38, 1-based): chr2:189,007,534-189,007,535, CA deleted; deleting any 2 consecutive bases within chr2:189,007,533-189,007,535 gives the same sequence; the c. name uses the placement nearest the transcript's 3' end. VCF-style (leftmost placement, unchanged base first): chr2-189007532-AAC-A. GRCh37 (hg19) VCF-style: chr2-189872258-AAC-A.
Other names: short protein forms T1097fs.
Identifiers: ClinVar variation 1441523 (VCV001441523.6), dbSNP rs2153503895, ClinGen allele CA2573134202.

ClinVar aggregate classification (germline): Pathogenic (1 of 4 stars; one submission).

Conditions:
Ehlers-Danlos syndrome, type 4 (EDSVASC). Also called: Ehlers-Danlos syndrome vascular type; Ehlers Danlos syndrome, ecchymotic type; Ehlers Danlos syndrome, arterial type; Ehlers Danlos syndrome, Sack-Barabas type; Ehlers-Danlos Syndrome Type IV. Identifiers: Orphanet 286, MedGen C0268338, MONDO:0017314, OMIM 130050.

Submission:

Labcorp Genetics (formerly Invitae), Labcorp
Classification: Pathogenic for Ehlers-Danlos syndrome, type 4. Last evaluated: 2021-10-03. Review status: criteria provided, single submitter. Criteria: Invitae Variant Classification Sherloc (09022015). Collection method: clinical testing. Allele origin: germline.
Comment: This sequence change creates a premature translational stop signal (p.Thr1097Argfs*2) in the COL3A1 gene. It is expected to result in an absent or disrupted protein product. Loss-of-function variants in COL3A1 are known to be pathogenic (PMID: 24922459). This variant is not present in population databases (ExAC no frequency). For these reasons, this variant has been classified as Pathogenic. This variant has not been reported in the literature in individuals affected with COL3A1-related conditions.

Literature cited by the submitters: PubMed 24922459.